The following is an entry in ClinVar:

ClinVar aggregate classification (germline): Likely pathogenic (1 of 4 stars; one submission).

Conditions:
Muscular dystrophy, limb-girdle, autosomal recessive 23. Identifiers: Orphanet 565837, MedGen C4748327, MONDO:0029136, OMIM 618138.

Submission:

Service de Génétique Médicale, Centre Hospitalier Universitaire de Nice-Université Côte d'Azur
Classification: Likely pathogenic for Muscular dystrophy, limb-girdle, autosomal recessive 23. Last evaluated: 2024-02-27. Review status: criteria provided, single submitter. Criteria: ACMG Guidelines, 2015. Collection method: clinical testing. Allele origin: germline. Affected: yes.

Literature cited by the submitters: PubMed 38703036.

NM_000426.4(LAMA2):c.5087del (p.Ala1696fs)

Gene: LAMA2 (laminin subunit alpha 2; plus strand). Cytogenetic location: 6q22.33.
Variant type: Deletion.
Coding change: c.5087del on transcript NM_000426.4 (MANE Select); coding-DNA position 5087, one base deleted (C; older notation c.5087delC).
Protein change: p.Ala1696fs; shifts the reading frame from alanine 1696.
Molecular consequence: frameshift variant.
Genome position (GRCh38, 1-based): chr6:129,391,506, C deleted. VCF-style (leftmost placement, unchanged base first): chr6-129391505-GC-G. GRCh37 (hg19) VCF-style: chr6-129712650-GC-G.
Other names: c.5087del, p.Ala1696fs (NM_001079823.2); short protein forms A1696fs.
Identifiers: ClinVar variation 3767155 (VCV003767155.1).